The following is an entry in ClinVar:

ClinVar aggregate classification (germline): Pathogenic. Review status: no assertion criteria provided (0 of 4 stars). 2 submissions from 2 submitters: Pathogenic (2). Last evaluated 2021-12-20.

Conditions:
Premature ovarian failure 8 (POF8). Identifiers: MedGen C3810367, MONDO:0014321, OMIM 615723.

Allele frequency attached by ClinVar (database versions not stated): gnomAD 0.00001 and 0.00002; gnomAD exomes 0.00001 and 0.00002; TOPMed 0.00002; ESP Exome Variant Server 0.00008.
gnomAD v4.1: 27 of 1,612,056 alleles (0.0017%); highest among the groups gnomAD compares: East Asian, 0.0022%; no homozygotes.

Submissions (2):

OMIM
Classification: Pathogenic for PREMATURE OVARIAN FAILURE 8. Last evaluated: 2021-12-20. Review status: no assertion criteria provided. Collection method: literature only. Allele origin: germline.

Institute of Reproductive and Stem Cell Engineering, Central South University
Classification: Pathogenic for Premature ovarian failure 8. Last evaluated: 2017-04-10. Review status: no assertion criteria provided. Collection method: research. Allele origin: germline, not applicable. Inheritance: Autosomal recessive inheritance. Affected: yes and no. Observed: 2 variant alleles, 2 homozygotes.
Comment: Whole exome and Sanger sequencing identified a homozygous donor splice site mutation (NM_012447.2: c.1573+5G>A) in the STAG3 gene. RT-PCR revealed that the mutation causes loss of wild type donor splice site which leads to aberrant splicing of STAG3 mRNA and consecutive formation of STAG3 alternative transcript (p.Leu490Thrfs*10) . This is the first report of splice-site mutation of STAG3 gene causes POI in two Han Chinese patients.

Literature cited by the submitters: PubMed 28393351 (cited by OMIM and Institute of Reproductive and Stem Cell Engineering, Central South University).

NM_001282717.2(STAG3):c.1573+5G>A

Gene: STAG3 (STAG3 cohesin complex component; plus strand). Cytogenetic location: 7q22.1.
Variant type: single nucleotide variant.
Coding change: c.1573+5G>A on transcript NM_001282717.2 (MANE Select); 5 bases into the intron after coding-DNA position 1573, G replaced by A.
Molecular consequence: intron variant.
Genome position (GRCh38, 1-based): chr7:100,199,372, G>A. VCF-style: chr7-100199372-G-A. GRCh37 (hg19) VCF-style: chr7-99796995-G-A.
Other names: IVS15, G-A, +5 (rs376787666); c.1573+5G>A (NM_001282716.1, NM_012447.4, NM_001375438.1); c.1399+5G>A (NM_001282718.2).
Identifiers: ClinVar variation 430588 (VCV000430588.3), dbSNP rs376787666, ClinGen allele CA163233978.